The following is an entry in ClinVar:

ClinVar aggregate classification (germline): Uncertain significance (1 of 4 stars; one submission).

Conditions:
Cardiovascular phenotype. Identifiers: MedGen CN230736.

Submission:

Ambry Genetics
Classification: Uncertain significance for Cardiovascular phenotype. Last evaluated: 2024-02-22. Review status: criteria provided, single submitter. Criteria: Ambry Variant Classification Scheme 2023. Collection method: clinical testing. Allele origin: germline.
Comment: The p.Q3869L variant (also known as c.11606A>T), located in coding exon 2 of the ZNF469 gene, results from an A to T substitution at nucleotide position 11606. The glutamine at codon 3869 is replaced by leucine, an amino acid with dissimilar properties. This amino acid position is conserved. In addition, this alteration is predicted to be tolerated by in silico analysis. Based on the available evidence, the clinical significance of this alteration remains unclear.

NM_001367624.2(ZNF469):c.11690A>T (p.Gln3897Leu)

Gene: ZNF469 (zinc finger protein 469; plus strand). Cytogenetic location: 16q24.2.
Variant type: single nucleotide variant.
Coding change: c.11690A>T on transcript NM_001367624.2 (MANE Select); coding-DNA position 11690, A replaced by T.
Protein change: p.Gln3897Leu; replaces glutamine 3897 with leucine.
Molecular consequence: missense variant.
Genome position (GRCh38, 1-based): chr16:88,439,160, A>T. VCF-style: chr16-88439160-A-T. GRCh37 (hg19) VCF-style: chr16-88505568-A-T.
Other names: NM_001127464.1:c.11606A>T; short protein forms Q3897L.
Identifiers: ClinVar variation 3232751 (VCV003232751.1), dbSNP rs1211124300, ClinGen allele CA397130988.